The following is an entry in ClinVar:

ClinVar aggregate classification (germline): Likely benign. Review status: criteria provided, multiple submitters, no conflicts (2 of 4 stars). 2 submissions from 2 submitters: Likely benign (2). Last evaluated 2026-06-26.

Conditions:
Sessile serrated polyposis cancer syndrome (SSPCS). Identifiers: Orphanet 157798, MedGen C4310714, MONDO:0014919, OMIM 617108.

Allele frequency attached by ClinVar (database versions not stated): gnomAD exomes below 0.00001.
gnomAD v4.1: 1 of 1,613,480 alleles (0.000062%); highest among the groups gnomAD compares: Admixed American, 0.0017%; no homozygotes.

Submissions (2):

Myriad Genetics, Inc.
Classification: Likely benign for Sessile serrated polyposis cancer syndrome. Last evaluated: 2026-06-26. Review status: criteria provided, single submitter. Criteria: Myriad Autosomal Dominant, Autosomal Recessive and X-Linked Classification Criteria (2023). Collection method: clinical testing. Allele origin: unknown.
Comment: This variant is considered likely benign. This variant is intronic and is not expected to impact mRNA splicing.

Labcorp Genetics (formerly Invitae), Labcorp
Classification: Likely benign. Last evaluated: 2024-01-28. Review status: criteria provided, single submitter. Criteria: Invitae Variant Classification Sherloc (09022015). Collection method: clinical testing. Allele origin: germline.

NM_017763.6(RNF43):c.2309-12C>T

Gene: RNF43 (ring finger protein 43; minus strand). Cytogenetic location: 17q22.
Variant type: single nucleotide variant.
Coding change: c.2309-12C>T on transcript NM_017763.6 (MANE Select); 12 bases into the intron before coding-DNA position 2309, C replaced by T.
Molecular consequence: intron variant.
Genome position (GRCh38, 1-based): chr17:58,354,998, G>A on the plus strand (C>T on the coding strand, the complement: RNF43 is on the minus strand). VCF-style: chr17-58354998-G-A. GRCh37 (hg19) VCF-style: chr17-56432359-G-A.
Other names: c.2309-12C>T (NM_001438822.1, NM_001305544.3); c.1928-12C>T (NM_001305545.2).
Identifiers: ClinVar variation 2956610 (VCV002956610.4), dbSNP rs2509328175, ClinGen allele CA2638986380.